The following is an entry in ClinVar:

NM_001042492.3(NF1):c.1528-971G>A

Gene: NF1 (neurofibromin 1; plus strand). Cytogenetic location: 17q11.2.
Variant type: single nucleotide variant.
Coding change: c.1528-971G>A on transcript NM_001042492.3 (MANE Select); 971 bases into the intron before coding-DNA position 1528, G replaced by A.
Molecular consequence: intron variant.
Genome position (GRCh38, 1-based): chr17:31,218,034, G>A. VCF-style: chr17-31218034-G-A. GRCh37 (hg19) VCF-style: chr17-29545052-G-A.
Other names: c.1528-971G>A (NM_000267.4, NM_001128147.3).
Identifiers: ClinVar variation 1879366 (VCV001879366.29), dbSNP rs17879886, ClinGen allele CA289358420.

ClinVar aggregate classification (germline): Likely benign (1 of 4 stars; one submission).

Allele frequency attached by ClinVar (database versions not stated): TOPMed 0.00013; gnomAD 0.00019; 1000 Genomes Project 0.00060; 1000 Genomes Project 30x 0.00062.
gnomAD v4.1: 28 of 151,892 alleles (0.018%); highest among the groups gnomAD compares: South Asian, 0.23%; no homozygotes.

Submission:

CeGaT Center for Human Genetics Tuebingen
Classification: Likely benign. Last evaluated: 2026-09-01. Review status: criteria provided, single submitter. Criteria: CeGaT Center For Human Genetics Tuebingen Variant Classification Criteria Version 2. Collection method: clinical testing. Allele origin: germline. Affected: yes. Observed: 9 variant alleles.
Comment: NF1: BS1